The following is an entry in ClinVar:

ClinVar aggregate classification (germline): Uncertain significance (1 of 4 stars; one submission).

Conditions:
Rafiq syndrome (RAFQS). Identifiers: Orphanet 88616, MedGen C3280127, MONDO:0013624, OMIM 614202.

Allele frequency attached by ClinVar (database versions not stated): TOPMed below 0.00001.
gnomAD v4.1: 14 of 1,614,216 alleles (0.00087%); highest among the groups gnomAD compares: Middle Eastern, 0.016%; no homozygotes.

Submission:

Labcorp Genetics (formerly Invitae), Labcorp
Classification: Uncertain significance for Rafiq syndrome. Last evaluated: 2025-02-03. Review status: criteria provided, single submitter. Criteria: Invitae Variant Classification Sherloc (09022015). Collection method: clinical testing. Allele origin: germline.
Comment: This sequence change replaces alanine, which is neutral and non-polar, with threonine, which is neutral and polar, at codon 294 of the MAN1B1 protein (p.Ala294Thr). This variant is present in population databases (no rsID available, gnomAD 0.006%). This variant has not been reported in the literature in individuals affected with MAN1B1-related conditions. ClinVar contains an entry for this variant (Variation ID: 1987710). An algorithm developed to predict the effect of missense changes on protein structure and function (PolyPhen-2) suggests that this variant is likely to be disruptive. In summary, the available evidence is currently insufficient to determine the role of this variant in disease. Therefore, it has been classified as a Variant of Uncertain Significance.

NM_016219.5(MAN1B1):c.880G>A (p.Ala294Thr)

Gene: MAN1B1 (mannosidase alpha class 1B member 1; plus strand). Cytogenetic location: 9q34.3.
Variant type: single nucleotide variant.
Coding change: c.880G>A on transcript NM_016219.5 (MANE Select); coding-DNA position 880, G replaced by A.
Protein change: p.Ala294Thr; replaces alanine 294 with threonine.
Molecular consequence: missense variant. On other transcripts: non-coding transcript variant (2).
Genome position (GRCh38, 1-based): chr9:137,099,845, G>A. VCF-style: chr9-137099845-G-A. GRCh37 (hg19) VCF-style: chr9-139994297-G-A.
Other names: c.772G>A, p.Ala258Thr (NM_007230.1); short protein forms A294T, A258T.
Identifiers: ClinVar variation 1987710 (VCV001987710.4), dbSNP rs1464254450, ClinGen allele CA375648969.